The following is an entry in ClinVar:

ClinVar aggregate classification (germline): Conflicting classifications of pathogenicity. Review status: criteria provided, conflicting classifications (1 of 4 stars). 7 submissions from 7 submitters: Uncertain significance (2); Benign (1); Likely benign (4). Last evaluated 2025-12-16.

Conditions:
Cardiovascular phenotype. Identifiers: MedGen CN230736.
Arrhythmogenic right ventricular dysplasia 8 (ARVD8). Also called: ARRHYTHMOGENIC RIGHT VENTRICULAR DYSPLASIA, FAMILIAL, 8; ARRHYTHMOGENIC RIGHT VENTRICULAR CARDIOMYOPATHY 8; Arrhythmogenic Right Ventricular Dysplasia/Cardiomyopathy 8. Identifiers: MedGen C1843896, MONDO:0011831, OMIM 607450.
Arrhythmogenic cardiomyopathy with wooly hair and keratoderma. Also called: Arrhythmogenic cardiomyopathy with woolly hair and keratoderma; Carvajal syndrome; Dilated cardiomyopathy with woolly hair and keratoderma; PALMOPLANTAR KERATODERMA WITH LEFT VENTRICULAR CARDIOMYOPATHY AND WOOLLY HAIR. Identifiers: Orphanet 65282, MedGen C1854063, MONDO:0011581, OMIM 605676.
Cardiomyopathy (CMYO). Also called: Cardiomyopathies. Identifiers: Orphanet 167848, MedGen C0878544, MONDO:0004994, HP:0001638. Inheritance: Various modes of inheritance.
Hypertrophic cardiomyopathy. Also called: HYPERTROPHIC MYOCARDIOPATHY. Identifiers: Orphanet 217569, MedGen C0007194, MeSH D002312, MONDO:0005045, HP:0001639.

Allele frequency attached by ClinVar (database versions not stated): gnomAD 0.00001; gnomAD exomes 0.00002 and 0.00010; TOPMed 0.00006; ExAC 0.00009; 1000 Genomes Project 30x 0.00031.
gnomAD v4.1: 37 of 1,614,162 alleles (0.0023%); highest among the groups gnomAD compares: East Asian, 0.069%; no homozygotes.

Submissions (7):

Labcorp Genetics (formerly Invitae), Labcorp
Classification: Likely benign for Arrhythmogenic cardiomyopathy with wooly hair and keratoderma; Arrhythmogenic right ventricular dysplasia 8. Last evaluated: 2025-12-16. Review status: criteria provided, single submitter. Criteria: Invitae Variant Classification Sherloc (09022015). Collection method: clinical testing. Allele origin: germline.

Ambry Genetics
Classification: Benign for Cardiovascular phenotype. Last evaluated: 2023-12-07. Review status: criteria provided, single submitter. Criteria: Ambry Variant Classification Scheme 2023. Collection method: clinical testing. Allele origin: germline.

Department of Pathology and Laboratory Medicine, Sinai Health System
Classification: Uncertain significance for hypertrophic cardiomyopathy. Last evaluated: 2020-08-13. Review status: criteria provided, single submitter. Criteria: ACMG Guidelines, 2015. Collection method: research. Allele origin: germline.

Color Diagnostics, LLC DBA Color Health
Classification: Likely benign for Cardiomyopathy. Last evaluated: 2018-10-03. Review status: criteria provided, single submitter. Criteria: ACMG Guidelines, 2015. Collection method: clinical testing. Allele origin: germline.

Blueprint Genetics
Classification: Likely benign. Last evaluated: 2018-08-31. Review status: criteria provided, single submitter. Criteria: ACMG Guidelines, 2015. Collection method: clinical testing. Allele origin: germline.

GeneDx
Classification: Uncertain significance. Last evaluated: 2013-08-27. Review status: criteria provided, single submitter. Criteria: GeneDx Variant Classification (06012015). Collection method: clinical testing. Allele origin: germline. Affected: yes.
Comment: p.Asn1234Ser (AAT>AGT): c.3701 A>G in exon 23 of the DSP gene (NM_004415.2). The Asn1234Ser variant in the DSP gene has not been reported as a disease-causing mutation or as a benign polymorphism to our knowledge. Asn1234Ser results in a conservative amino acid substitution of one polar amino acid for another at a position that is mostly conserved in mammals. In silico analysis predicts Asn1234Ser is benign to the protein structure/function. No mutations in nearby residues have been reported in association with ARVC, indicating this region of the protein may be tolerant to change. The 1,000 genomes database identified Asn1234Ser with a frequency of 0.2%, 1/572 alleles, in individuals of Asian ancestry. However, the Asn1234Ser variant was not observed in approximately 6,500 individuals of European and African American ancestry in the NHLBI Exome Sequencing Project, indicating it is not a common benign variant in these populations. With the clinical and molecular information available at this time, we cannot definitively determine if Asn1234Ser is a disease-causing mutation or a rare benign variant. The variant is found in ARVC panel(s).

Stanford Center for Inherited Cardiovascular Disease, Stanford University
Classification: Likely benign. Review status: criteria provided, single submitter. Criteria: ACMG Guidelines, 2015. Collection method: provider interpretation. Allele origin: germline.

NM_004415.4(DSP):c.3701A>G (p.Asn1234Ser)

Gene: DSP (desmoplakin; plus strand). Cytogenetic location: 6p24.3.
Variant type: single nucleotide variant.
Coding change: c.3701A>G on transcript NM_004415.4 (MANE Select); coding-DNA position 3701, A replaced by G.
Protein change: p.Asn1234Ser; replaces asparagine 1234 with serine.
Molecular consequence: missense variant. On other transcripts: intron variant (1).
Genome position (GRCh38, 1-based): chr6:7,579,891, A>G. VCF-style: chr6-7579891-A-G. GRCh37 (hg19) VCF-style: chr6-7580124-A-G.
Other names: p.N1234S:AAT>AGT; c.3701A>G, p.Asn1234Ser (NM_001319034.2); c.3582+119A>G (NM_001008844.3); c.3701A>G (LRG_423t1); short protein forms N1234S.
Identifiers: ClinVar variation 199879 (VCV000199879.30), dbSNP rs185367490, ClinGen allele CA004175.